The following is an entry in ClinVar:

NM_000836.4(GRIN2D):c.457A>T (p.Thr153Ser)

Genes: GRIN2D (glutamate ionotropic receptor NMDA type subunit 2D; plus strand), LOC130064856 (ATAC-STARR-seq lymphoblastoid silent region 10880; plus strand). Cytogenetic location: 19q13.33.
Variant type: single nucleotide variant.
Coding change: c.457A>T on transcript NM_000836.4 (MANE Select); coding-DNA position 457, A replaced by T.
Protein change: p.Thr153Ser; replaces threonine 153 with serine.
Molecular consequence: missense variant.
Genome position (GRCh38, 1-based): chr19:48,398,849, A>T. VCF-style: chr19-48398849-A-T. GRCh37 (hg19) VCF-style: chr19-48902106-A-T.
Other names: short protein forms T153S.
Identifiers: ClinVar variation 1936501 (VCV001936501.5), dbSNP rs1210053049, ClinGen allele CA406689262.

ClinVar aggregate classification (germline): Uncertain significance (1 of 4 stars; one submission).

Allele frequency attached by ClinVar (database versions not stated): gnomAD exomes below 0.00001; gnomAD 0.00002; TOPMed 0.00002; 1000 Genomes Project 30x 0.00031.
gnomAD v4.1: 8 of 1,237,658 alleles (0.00065%); highest among the groups gnomAD compares: Admixed American, 0.0087%; no homozygotes.

Submission:

Labcorp Genetics (formerly Invitae), Labcorp
Classification: Uncertain significance. Last evaluated: 2025-07-18. Review status: criteria provided, single submitter. Criteria: Invitae Variant Classification Sherloc (09022015). Collection method: clinical testing. Allele origin: germline.
Comment: This sequence change replaces threonine, which is neutral and polar, with serine, which is neutral and polar, at codon 153 of the GRIN2D protein (p.Thr153Ser). The frequency data for this variant in the population databases is considered unreliable, as metrics indicate poor data quality at this position in the gnomAD database. This variant has not been reported in the literature in individuals affected with GRIN2D-related conditions. ClinVar contains an entry for this variant (Variation ID: 1936501). Invitae Evidence Modeling of protein sequence and biophysical properties (such as structural, functional, and spatial information, amino acid conservation, physicochemical variation, residue mobility, and thermodynamic stability) indicates that this missense variant is not expected to disrupt GRIN2D protein function with a negative predictive value of 80%. In summary, the available evidence is currently insufficient to determine the role of this variant in disease. Therefore, it has been classified as a Variant of Uncertain Significance.